The following is an entry in ClinVar:

NM_015702.3(MMADHC):c.9+17T>A

Genes: MMADHC (metabolism of cobalamin associated D; minus strand), LOC126806368 (MED14-independent group 3 enhancer GRCh37_chr2:150443500-150444699; plus strand). Cytogenetic location: 2q23.2.
Variant type: single nucleotide variant.
Coding change: c.9+17T>A on transcript NM_015702.3 (MANE Select); 17 bases into the intron after coding-DNA position 9, T replaced by A.
Molecular consequence: intron variant.
Genome position (GRCh38, 1-based): chr2:149,587,072, A>T on the plus strand (T>A on the coding strand, the complement: MMADHC is on the minus strand). VCF-style: chr2-149587072-A-T. GRCh37 (hg19) VCF-style: chr2-150443586-A-T.
Identifiers: ClinVar variation 382393 (VCV000382393.10), dbSNP rs372601477, ClinGen allele CA1902521.

ClinVar aggregate classification (germline): Likely benign. Review status: criteria provided, multiple submitters, no conflicts (2 of 4 stars). 3 submissions from 3 submitters: Likely benign (3). Last evaluated 2025-12-30.

Conditions:
Methylmalonic aciduria and homocystinuria type cblD (MAHCD). Also called: Methylmalonic aciduria with homocystinuria cblD type; METHYLMALONIC ACIDEMIA, cblH TYPE. Identifiers: Orphanet 622, Orphanet 79283, MedGen C1848552, MONDO:0010185, OMIM 277410.

Allele frequency attached by ClinVar (database versions not stated): ESP Exome Variant Server 0.00008; TOPMed 0.00018.

Submissions (3):

Labcorp Genetics (formerly Invitae), Labcorp
Classification: Likely benign for Methylmalonic aciduria and homocystinuria type cblD. Last evaluated: 2025-12-30. Review status: criteria provided, single submitter. Criteria: Invitae Variant Classification Sherloc (09022015). Collection method: clinical testing. Allele origin: germline.

GeneDx
Classification: Likely benign. Last evaluated: 2016-11-03. Review status: criteria provided, single submitter. Criteria: GeneDx Variant Classification (06012015). Collection method: clinical testing. Allele origin: germline. Affected: yes.
Comment: This variant is considered likely benign or benign based on one or more of the following criteria: it is a conservative change, it occurs at a poorly conserved position in the protein, it is predicted to be benign by multiple in silico algorithms, and/or has population frequency not consistent with disease.

Breakthrough Genomics
Classification: Likely benign. Review status: criteria provided, single submitter. Criteria: ACMG Guidelines, 2015. Collection method: not provided. Allele origin: germline. Inheritance: Autosomal recessive inheritance. Affected: yes.